The following is an entry in ClinVar:

NM_177438.3(DICER1):c.3109del (p.Leu1037fs)

Gene: DICER1 (dicer 1, ribonuclease III; minus strand). Cytogenetic location: 14q32.13.
Variant type: Deletion.
Coding change: c.3109del on transcript NM_177438.3 (MANE Select); coding-DNA position 3109, one base deleted (C; older notation c.3109delC).
Protein change: p.Leu1037fs; shifts the reading frame from leucine 1037.
Molecular consequence: frameshift variant. On other transcripts: non-coding transcript variant (6).
Genome position (GRCh38, 1-based): chr14:95,105,231, G deleted on the plus strand (C on the coding strand, the reverse complement: DICER1 is on the minus strand). VCF-style (leftmost placement, unchanged base first): chr14-95105230-AG-A. GRCh37 (hg19) VCF-style: chr14-95571567-AG-A.
Other names: c.3109del, p.Leu1037fs (NM_001195573.1, NM_001271282.3, NM_001291628.2 and 12 more transcripts); c.2827del, p.Leu943fs (NM_001395686.1); c.2704del, p.Leu902fs (NM_001395687.1, NM_001395688.1, NM_001395689.1 and 2 more transcripts); c.2542del, p.Leu848fs (NM_001395691.1); c.1426del, p.Leu476fs (NM_001395697.1); short protein forms L1037fs, L476fs, L848fs, L902fs, L943fs.
Identifiers: ClinVar variation 5035231 (VCV005035231.1).
Genomic context (GRCh38, chr14:95,105,230, plus strand): 5'-ATGCTGGGGAGACAAACAGCTTTTCTCCACAGTGATGCTGGAATTGGATGTATAGCACAG[AG>A]TTCTGGAACCAGTATCTTCAAGTAAGGGGAAAAATGGACAGATAAATACAAAGCGCACAC-3'

ClinVar aggregate classification (germline): Pathogenic (1 of 4 stars; one submission).

Conditions:
Hereditary cancer-predisposing syndrome. Also called: Hereditary Cancer Syndrome; Neoplastic Syndromes, Hereditary; Tumor predisposition; Hereditary neoplastic syndrome. Identifiers: Orphanet 140162, MedGen C0027672, MeSH D009386, MONDO:0015356.

Submission:

Ambry Genetics
Classification: Pathogenic for Hereditary cancer-predisposing syndrome. Last evaluated: 2026-06-18. Review status: criteria provided, single submitter. Criteria: Ambry Variant Classification Scheme 2023. Collection method: clinical testing. Allele origin: germline.
Comment: The c.3109delC pathogenic mutation, located in coding exon 19 of the DICER1 gene, results from a deletion of one nucleotide at nucleotide position 3109, causing a translational frameshift with a predicted alternate stop codon (p.L1037Sfs*29). This variant was reported in individual(s) with features consistent with DICER1-related tumor predisposition (Ambry internal data). This variant is considered to be rare based on population cohorts in the Genome Aggregation Database (gnomAD). This variant is expected to result in loss of function by premature protein truncation or nonsense-mediated mRNA decay. As such, this alteration is interpreted as a disease-causing mutation.